The following is an entry in ClinVar:

NM_000565.4(IL6R):c.302G>T (p.Arg101Leu)

Gene: IL6R (interleukin 6 receptor; plus strand). Cytogenetic location: 1q21.3.
Variant type: single nucleotide variant.
Coding change: c.302G>T on transcript NM_000565.4 (MANE Select); coding-DNA position 302, G replaced by T.
Protein change: p.Arg101Leu; replaces arginine 101 with leucine.
Molecular consequence: missense variant. On other transcripts: intron variant (1).
Genome position (GRCh38, 1-based): chr1:154,429,412, G>T. VCF-style: chr1-154429412-G-T. GRCh37 (hg19) VCF-style: chr1-154401888-G-T.
Other names: c.302G>T, p.Arg101Leu (NM_001206866.2, NM_001382769.1, NM_001382770.1 and 4 more transcripts); c.126+176G>T (NM_001382774.1); short protein forms R101L.
Identifiers: ClinVar variation 1928836 (VCV001928836.3), dbSNP rs373941142, ClinGen allele CA1128964.

ClinVar aggregate classification (germline): Uncertain significance (1 of 4 stars; one submission).

Submission:

Labcorp Genetics (formerly Invitae), Labcorp
Classification: Uncertain significance. Last evaluated: 2024-02-09. Review status: criteria provided, single submitter. Criteria: Invitae Variant Classification Sherloc (09022015). Collection method: clinical testing. Allele origin: germline.
Comment: This sequence change replaces arginine, which is basic and polar, with leucine, which is neutral and non-polar, at codon 101 of the IL6R protein (p.Arg101Leu). This variant is present in population databases (rs373941142, gnomAD 0.01%). This variant has not been reported in the literature in individuals affected with IL6R-related conditions. ClinVar contains an entry for this variant (Variation ID: 1928836). Algorithms developed to predict the effect of missense changes on protein structure and function output the following: SIFT: "Not Available"; PolyPhen-2: "Benign"; Align-GVGD: "Not Available". The leucine amino acid residue is found in multiple mammalian species, which suggests that this missense change does not adversely affect protein function. In summary, the available evidence is currently insufficient to determine the role of this variant in disease. Therefore, it has been classified as a Variant of Uncertain Significance.